The following is an entry in ClinVar:

NM_003978.5(PSTPIP1):c.-175C>G

Gene: PSTPIP1 (proline-serine-threonine phosphatase interacting protein 1; plus strand). Cytogenetic location: 15q24.3.
Variant type: single nucleotide variant.
Coding change: c.-175C>G on transcript NM_003978.5 (MANE Select); 175 bases upstream of the start codon, C replaced by G.
Molecular consequence: 5 prime UTR variant. On other transcripts: non-coding transcript variant (1), intron variant (1).
Genome position (GRCh38, 1-based): chr15:76,995,399, C>G. VCF-style: chr15-76995399-C-G. GRCh37 (hg19) VCF-style: chr15-77287740-C-G.
Other names: c.-175C>G (NM_001321135.2, NM_001411086.1); c.-421C>G (NM_001321136.2); c.27-6C>G (NM_001321137.1).
Identifiers: ClinVar variation 3349914 (VCV003349914.2).

ClinVar aggregate classification (germline): Likely benign. Review status: criteria provided, single submitter (1 of 4 stars). 2 submissions from 2 submitters: Likely benign (1). 1 of the submissions does not count toward it. Last evaluated 2023-08-03.

Conditions:
PSTPIP1-related disorder. Also called: PSTPIP1-related condition.

gnomAD v4.1: 52 of 1,458,848 alleles (0.0036%); highest among the groups gnomAD compares: African/African-American, 0.051%; no homozygotes.

Submissions (2):

Blueprint Genetics
Classification: Likely benign. Last evaluated: 2023-08-03. Review status: criteria provided, single submitter. Criteria: ACMG Guidelines, 2015. Collection method: clinical testing. Allele origin: germline.

PreventionGenetics, part of Exact Sciences
Classification: Uncertain significance for PSTPIP1-related condition. Last evaluated: 2024-04-10. Review status: no assertion criteria provided. Collection method: clinical testing. Allele origin: germline. Not counted in ClinVar's aggregate classification.
Comment: The PSTPIP1 c.27-6C>G variant is predicted to interfere with splicing. This variant is predicted to alter splicing based on available splicing prediction software (SpliceAI, Jaganathan et al. 2019. PubMed ID: 30661751). However, the use of computer prediction software is not equivalent to functional evidence. To our knowledge, this variant has not been reported in the literature. This variant is reported in 0.052% of alleles in individuals of African descent in gnomAD. At this time, the clinical significance of this variant is uncertain due to the absence of conclusive functional and genetic evidence.